The following is an entry in ClinVar:

NM_001367624.2(ZNF469):c.10793G>A (p.Gly3598Glu)

Gene: ZNF469 (zinc finger protein 469; plus strand). Cytogenetic location: 16q24.2.
Variant type: single nucleotide variant.
Coding change: c.10793G>A on transcript NM_001367624.2 (MANE Select); coding-DNA position 10793, G replaced by A.
Protein change: p.Gly3598Glu; replaces glycine 3598 with glutamic acid.
Molecular consequence: missense variant.
Genome position (GRCh38, 1-based): chr16:88,438,263, G>A. VCF-style: chr16-88438263-G-A. GRCh37 (hg19) VCF-style: chr16-88504671-G-A.
Other names: NM_001127464.1:c.10709G>A; short protein forms G3598E.
Identifiers: ClinVar variation 1783191 (VCV001783191.2), dbSNP rs1312913764, ClinGen allele CA397127985.
Genomic context (GRCh38, chr16:88,438,263, plus strand): 5'-CAGAGAACGAGGCTTCCCCAGGCAGCCCCGGGCCTCTTCTCCAGCAAGCTCTCCCTCTGG[G>A]GGCATCTCTGCCGCGGCCGGGAGCCAGAGGCCAAGATGCGGAGGGAAAGAGGGCTCCTCT-3'
Protein context (NP_001354553.1, residues 3588-3608): GPLLQQALPL[Gly3598Glu]ASLPRPGARG

ClinVar aggregate classification (germline): Uncertain significance (1 of 4 stars; one submission).

Conditions:
Cardiovascular phenotype. Identifiers: MedGen CN230736.

Allele frequency attached by ClinVar (database versions not stated): gnomAD exomes below 0.00001.
gnomAD v4.1: 1 of 1,548,320 alleles (0.000065%); highest among the groups gnomAD compares: East Asian, 0.0024%; no homozygotes.

Submission:

Ambry Genetics
Classification: Uncertain significance for Cardiovascular phenotype. Last evaluated: 2021-08-14. Review status: criteria provided, single submitter. Criteria: Ambry Variant Classification Scheme 2023. Collection method: clinical testing. Allele origin: germline.
Comment: The p.G3570E variant (also known as c.10709G>A), located in coding exon 2 of the ZNF469 gene, results from a G to A substitution at nucleotide position 10709. The glycine at codon 3570 is replaced by glutamic acid, an amino acid with similar properties. This amino acid position is conserved. In addition, this alteration is predicted to be tolerated by in silico analysis. Since supporting evidence is limited at this time, the clinical significance of this alteration remains unclear.